The following is an entry in ClinVar:

NM_022114.4(PRDM16):c.559C>T (p.Gln187Ter)

Gene: PRDM16 (PR/SET domain 16; plus strand). Cytogenetic location: 1p36.32.
Variant type: single nucleotide variant.
Coding change: c.559C>T on transcript NM_022114.4 (MANE Select); coding-DNA position 559, C replaced by T.
Protein change: p.Gln187Ter; replaces glutamine 187 with a stop codon.
Molecular consequence: nonsense.
Genome position (GRCh38, 1-based): chr1:3,385,272, C>T. VCF-style: chr1-3385272-C-T. GRCh37 (hg19) VCF-style: chr1-3301836-C-T.
Other names: c.559C>T, p.Gln187Ter (NM_199454.3); short protein forms Q187*.
Identifiers: ClinVar variation 3340802 (VCV003340802.1).
Genomic context (GRCh38, chr1:3,385,272, plus strand): 5'-AGCTGGCTCAAGTACATCCGTGTGGCGTGCTCCTGCGATGACCAGAACCTCACCATGTGT[C>T]AGATCAGTGAGCAGGTAGGTCCGGGCTCATAACAGGGGCTTCTGCCTCTTGGAATTGTCC-3'

ClinVar aggregate classification (germline): Pathogenic (1 of 4 stars; one submission).

Submission:

GeneDx
Classification: Pathogenic. Last evaluated: 2023-09-11. Review status: criteria provided, single submitter. Criteria: GeneDx Variant Classification Process June 2021. Collection method: clinical testing. Allele origin: germline. Affected: yes.
Comment: Nonsense variant predicted to result in protein truncation or nonsense mediated decay in a gene for which loss of function is a known mechanism of disease; Not observed at significant frequency in large population cohorts (gnomAD); This variant is associated with the following publications: (PMID: 33146414, 28973083)